The following is an entry in ClinVar:

ClinVar aggregate classification (germline): Uncertain significance (1 of 4 stars; one submission).

Conditions:
Cortical dysplasia, complex, with other brain malformations 13. Also called: Intellectual disability, autosomal dominant 13. Identifiers: MedGen C3281202, MONDO:0013805, OMIM 614563.

Allele frequency attached by ClinVar (database versions not stated): ExAC 0.00001; gnomAD 0.00001; TOPMed 0.00001; ESP Exome Variant Server 0.00008.
gnomAD v4.1: 11 of 1,614,120 alleles (0.00068%); highest among the groups gnomAD compares: Non-Finnish European, 0.00093%; no homozygotes.

Submission:

Victorian Clinical Genetics Services, Murdoch Childrens Research Institute
Classification: Uncertain significance for Cortical dysplasia, complex, with other brain malformations 13. Last evaluated: 2022-02-02. Review status: criteria provided, single submitter. Criteria: ACMG Guidelines, 2015. Collection method: clinical testing. Allele origin: germline. Inheritance: Autosomal dominant inheritance. Affected: yes.
Comment: Based on the classification scheme VCGS_Germline_v1.3.4, this variant is classified as VUS-3B. Following criteria are met: 0103 - Loss of function and gain of function are known mechanisms of disease in this gene and are associated with spinal muscular atrophy, lower extremity-predominant 1 (MIM#158600), intellectual disability (MIM#614563) and Charcot-Marie-Tooth disease, axonal, type 20 (MIM#614228). While there is no clear genotype-phenotype correlation, there is some association between the severity of the variant on protein function and the phenotype that is manifested (PMID: 25512093, PMID: 28196890). (I) 0107 - This gene is associated with autosomal dominant disease. (I) 0115 - Variants in this gene are known to have variable expressivity (PMID: 25512093). (I) 0200 - Variant is predicted to result in a missense amino acid change from isoleucine to leucine. (I) 0251 - This variant is heterozygous. (I) 0302 - Variant is present in gnomAD (v3) <0.001 for a dominant condition (2 heterozygotes, 0 homozygotes). (SP) 0503 - Missense variant consistently predicted to be tolerated by multiple in silico tools or not conserved in placental mammals with a minor amino acid change. (SB) 0603 - Missense variant in a region that is highly intolerant to missense variation (high constraint region in DECIPHER). (SP) 0705 - No comparable missense variants have previous evidence for pathogenicity. (I) 0807 - This variant has no previous evidence of pathogenicity. (I) 0905 - No published segregation evidence has been identified for this variant. (I) 1007 - No published functional evidence has been identified for this variant. (I) 1208 - Inheritance information for this variant is not currently available in this individual. (I) Legend: (SP) - Supporting pathogenic, (I) - Information, (SB) - Supporting benign

Literature cited by the submitters: PubMed 25512093; PubMed 28196890.

NM_001376.5(DYNC1H1):c.4501A>C (p.Ile1501Leu)

Gene: DYNC1H1 (dynein cytoplasmic 1 heavy chain 1; plus strand). Cytogenetic location: 14q32.31.
Variant type: single nucleotide variant.
Coding change: c.4501A>C on transcript NM_001376.5 (MANE Select); coding-DNA position 4501, A replaced by C.
Protein change: p.Ile1501Leu; replaces isoleucine 1501 with leucine.
Molecular consequence: missense variant.
Genome position (GRCh38, 1-based): chr14:102,001,640, A>C. VCF-style: chr14-102001640-A-C. GRCh37 (hg19) VCF-style: chr14-102467977-A-C.
Other names: short protein forms I1501L.
Identifiers: ClinVar variation 1805169 (VCV001805169.1), dbSNP rs368821864, ClinGen allele CA7352243.
Genomic context (GRCh38, chr14:102,001,640, plus strand): 5'-CAGAACAAGTGCCGCTTGATCCGTGGCTGGGATGACCTCTTCAACAAGGTCAAAGAACAC[A>C]TCAACAGCGTCTCGGCCATGAAGCTCTCTCCGTATTACAAGGTGCTGTTGCTGGGGAAGC-3'
Protein context (NP_001367.2, residues 1491-1511): DDLFNKVKEH[Ile1501Leu]NSVSAMKLSP